The following is an entry in ClinVar:

NM_006412.4(AGPAT2):c.*535C>T

Gene: AGPAT2 (1-acylglycerol-3-phosphate O-acyltransferase 2; minus strand). Cytogenetic location: 9q34.3.
Variant type: single nucleotide variant.
Coding change: c.*535C>T on transcript NM_006412.4 (MANE Select); 535 bases downstream of the stop codon, C replaced by T.
Molecular consequence: 3 prime UTR variant.
Genome position (GRCh38, 1-based): chr9:136,673,217, G>A on the plus strand (C>T on the coding strand, the complement: AGPAT2 is on the minus strand). VCF-style: chr9-136673217-G-A. GRCh37 (hg19) VCF-style: chr9-139567669-G-A.
Other names: c.*535C>T (NM_001012727.2).
Identifiers: ClinVar variation 365900 (VCV000365900.6), dbSNP rs138670030, ClinGen allele CA10626913.

ClinVar aggregate classification (germline): Benign. Review status: criteria provided, multiple submitters, no conflicts (2 of 4 stars). 2 submissions from 2 submitters: Benign (2). Last evaluated 2018-01-13.

Conditions:
Congenital generalized lipodystrophy type 1 (CGL1). Also called: BRUNZELL SYNDROME, AGPAT2-RELATED; Berardinelli-Seip Congenital Lipodystrophy Type 1. Identifiers: Orphanet 528, Orphanet 696189, MedGen C1720862, MONDO:0012071, OMIM 608594.

Allele frequency attached by ClinVar (database versions not stated): TOPMed 0.01520; gnomAD 0.01906 and 0.02084; gnomAD exomes 0.02052; 1000 Genomes Project 30x 0.02670; 1000 Genomes Project 0.02895.

Submissions (2):

Illumina Laboratory Services, Illumina
Classification: Benign for Congenital generalized lipodystrophy type 1. Last evaluated: 2018-01-13. Review status: criteria provided, single submitter. Criteria: ICSL Variant Classification Criteria 13 December 2019. Collection method: clinical testing. Allele origin: germline.
Comment: This variant was observed in the ICSL laboratory as part of a predisposition screen in an ostensibly healthy population. It had not been previously curated by ICSL or reported in the Human Gene Mutation Database (HGMD: prior to June 1st, 2018), and was therefore a candidate for classification through an automated scoring system. Utilizing variant allele frequency, disease prevalence and penetrance estimates, and inheritance mode, an automated score was calculated to assess if this variant is too frequent to cause the disease. Based on the score and internal cut-off values, a variant classified as benign is not then subjected to further curation. The score for this variant resulted in a classification of benign for this disease.

Breakthrough Genomics
Classification: Benign. Review status: criteria provided, single submitter. Criteria: ACMG Guidelines, 2015. Collection method: not provided. Allele origin: germline. Inheritance: Autosomal recessive inheritance. Affected: yes.